The following is an entry in ClinVar:

NM_000169.3(GLA):c.1066C>G (p.Arg356Gly)

Genes: GLA (galactosidase alpha; minus strand), RPL36A-HNRNPH2 (RPL36A-HNRNPH2 readthrough; plus strand). Cytogenetic location: Xq22.1.
Variant type: single nucleotide variant.
Coding change: c.1066C>G on transcript NM_000169.3 (MANE Select); coding-DNA position 1066, C replaced by G.
Protein change: p.Arg356Gly; replaces arginine 356 with glycine.
Molecular consequence: missense variant. On other transcripts: non-coding transcript variant (3), intron variant (2).
Genome position (GRCh38, 1-based): chrX:101,398,033, G>C on the plus strand (C>G on the coding strand, the complement: GLA is on the minus strand). VCF-style: chrX-101398033-G-C. GRCh37 (hg19) VCF-style: chrX-100653021-G-C.
Other names: c.1189C>G, p.Arg397Gly (NM_001406747.1); c.300+2576G>C (NM_001199973.2); c.177+6211G>C (NM_001199974.2); short protein forms R356G, R397G.
Identifiers: ClinVar variation 4087630 (VCV004087630.3).

ClinVar aggregate classification (germline): Pathogenic/Likely pathogenic. Review status: criteria provided, multiple submitters, no conflicts (2 of 4 stars). 2 submissions from 2 submitters: Pathogenic (1); Likely pathogenic (1). Last evaluated 2026-09-08.

Conditions:
Fabry disease. Also called: ALPHA-GALACTOSIDASE A DEFICIENCY; ANDERSON-FABRY DISEASE; CERAMIDE TRIHEXOSIDASE DEFICIENCY; GLA DEFICIENCY; HEREDITARY DYSTOPIC LIPIDOSIS; Angiokeratoma corporis diffusum. Identifiers: Orphanet 324, MedGen C0002986, MONDO:0010526, OMIM 301500, HP:0001071. Disease mechanism: Fabry disease is due to inactivating mutations in the X-linked GLA gene resulting in deficiency of the enzyme Alpha Galactosidase-A., loss of function.

Submissions (2):

Genomenon, Inc
Classification: Likely pathogenic for Fabry disease. Last evaluated: 2026-09-08. Review status: criteria provided, single submitter. Criteria: Genomenon Sequence Variant Interpretation Standards - Updated. Collection method: curation. Allele origin: germline. Affected: yes.
Comment: GLA p.Arg356Gly (c.1066C>G) is a missense variant that changes the amino acid at codon 356 from Arginine to Glycine. This variant has been observed in at least one proband with clinical features consistent with Fabry disease (PMID:27560961;29143201;30477121). Functional or patient cell studies have been reported (PMID:27560961;29143201;34199132;33072983;27657681). The presence of pathogenic/likely pathogenic missense variant(s) at the same amino acid position indicates that this residue is likely important for protein function. It is absent or not present at a significant frequency in gnomAD. In conclusion, we classify GLA p.Arg356Gly (c.1066C>G) as a likely pathogenic variant.

Labcorp Genetics (formerly Invitae), Labcorp
Classification: Pathogenic for Fabry disease. Last evaluated: 2025-12-09. Review status: criteria provided, single submitter. Criteria: Invitae Variant Classification Sherloc (09022015). Collection method: clinical testing. Allele origin: germline.
Comment: This sequence change replaces arginine, which is basic and polar, with glycine, which is neutral and non-polar, at codon 356 of the GLA protein (p.Arg356Gly). This variant is not present in population databases (gnomAD no frequency). This missense change has been observed in individual(s) with Fabry disease (PMID: 27560961, 30477121). ClinVar contains an entry for this variant (Variation ID: 4087630). Invitae Evidence Modeling of protein sequence and biophysical properties (such as structural, functional, and spatial information, amino acid conservation, physicochemical variation, residue mobility, and thermodynamic stability) indicates that this missense variant is not expected to disrupt GLA protein function with a negative predictive value of 80%. Experimental studies have shown that this missense change affects GLA function (PMID: 27657681). This variant disrupts the p.Arg356 amino acid residue in GLA. Other variant(s) that disrupt this residue have been determined to be pathogenic (PMID: 19621417, 27238910, 28615118, 30477121, 31956509, 31996269). This suggests that this residue is clinically significant, and that variants that disrupt this residue are likely to be disease-causing. For these reasons, this variant has been classified as Pathogenic.

Literature cited by the submitters: PubMed 27560961 (cited by Genomenon, Inc and Labcorp Genetics (formerly Invitae), Labcorp); PubMed 29143201 (cited by Genomenon, Inc); PubMed 30477121 (cited by Genomenon, Inc and Labcorp Genetics (formerly Invitae), Labcorp); PubMed 34199132 (cited by Genomenon, Inc); PubMed 33072983 (cited by Genomenon, Inc); PubMed 27657681 (cited by Genomenon, Inc and Labcorp Genetics (formerly Invitae), Labcorp); PubMed 19621417 (cited by Labcorp Genetics (formerly Invitae), Labcorp); PubMed 27238910 (cited by Labcorp Genetics (formerly Invitae), Labcorp); PubMed 28615118 (cited by Labcorp Genetics (formerly Invitae), Labcorp); PubMed 31956509 (cited by Labcorp Genetics (formerly Invitae), Labcorp); PubMed 31996269 (cited by Labcorp Genetics (formerly Invitae), Labcorp).